The following is an entry in ClinVar:

NM_001379403.1(WDR26):c.1719+1G>T

Gene: WDR26 (WD repeat domain 26; minus strand). Cytogenetic location: 1q42.12.
Variant type: single nucleotide variant.
Coding change: c.1719+1G>T on transcript NM_001379403.1 (MANE Select); the canonical splice donor site of the intron after coding-DNA position 1719, G replaced by T.
Molecular consequence: splice donor variant.
Genome position (GRCh38, 1-based): chr1:224,400,949, C>A on the plus strand (G>T on the coding strand, the complement: WDR26 is on the minus strand). VCF-style: chr1-224400949-C-A. GRCh37 (hg19) VCF-style: chr1-224588651-C-A.
Other names: c.1371+1G>T (NM_001115113.3); c.1419+1G>T (NM_025160.7).
Identifiers: ClinVar variation 4884346 (VCV004884346.3).

ClinVar aggregate classification (germline): Likely pathogenic (1 of 4 stars; one submission).

Conditions:
Skraban-Deardorff syndrome. Also called: INTELLECTUAL DISABILITY WITH SEIZURES, ABNORMAL GAIT, AND DISTINCTIVE FACIAL FEATURES; WDR26-Related Intellectual Disability. Identifiers: Orphanet 513456, MedGen C4539927, MONDO:0054636, OMIM 617616.

Submission:

Genos
Classification: Likely pathogenic for Skraban-Deardorff syndrome. Last evaluated: 2026-10-05. Review status: criteria provided, single submitter. Criteria: ACMG Guidelines, 2015. Collection method: clinical testing. Allele origin: de novo. Inheritance: Autosomal dominant inheritance. Affected: yes.
Comment: The variant NM_001379403.1:c.1719+1G>T affects the canonical splice donor site. SpliceAI strongly predicts disruption of the native donor site (donor-loss score 1.00). Loss of function is an established disease mechanism for WDR26-related Skraban–Deardorff syndrome. As disruption of this splice site may result in an in-frame splicing alteration and evidence supporting critical functional relevance of the affected region is limited, PVS1 was applied at moderate strength (PVS1_Moderate). The variant is absent from population controls in gnomAD v4.1.1 (PM2_Supporting). A previously reported pathogenic variant affecting the same canonical donor dinucleotide, NM_001379403.1(WDR26):c.1719+2dup, was identified in an individual with Skraban–Deardorff syndrome (PMID: 28686853). Both variants show highly concordant splice predictions, including loss of the same native donor site and predicted activation of the same cryptic donor site, with SpliceAI donor-loss scores of 1.00 and 0.92, respectively. According to the ClinGen SVI recommendations for splice-altering variants (PMID: 37352859), this supports application of PS1. Given the highly specific phenotype, the variant was considered assumed de novo and PM6 was applied. Based on the ACMG/AMP framework with ClinGen SVI specifications, the variant is classified as likely pathogenic (PS1, PVS1_Moderate, PM6, PM2_supporting).